The following is an entry in ClinVar:

NM_000320.3(QDPR):c.199-10T>G

Gene: QDPR (quinoid dihydropteridine reductase; minus strand). Cytogenetic location: 4p15.32.
Variant type: single nucleotide variant.
Coding change: c.199-10T>G on transcript NM_000320.3 (MANE Select); 10 bases into the intron before coding-DNA position 199, T replaced by G.
Molecular consequence: intron variant.
Genome position (GRCh38, 1-based): chr4:17,504,485, A>C on the plus strand (T>G on the coding strand, the complement: QDPR is on the minus strand). VCF-style: chr4-17504485-A-C. GRCh37 (hg19) VCF-style: chr4-17506108-A-C.
Other names: c.106-10T>G (NM_001306140.2).
Identifiers: ClinVar variation 1506602 (VCV001506602.5), dbSNP rs200393206, ClinGen allele CA2868179.
Genomic context (GRCh38, chr4:17,504,485, plus strand): 5'-AATTGCATCCACCTTCTCTTCACCCAAGAGCTTTCCAACCTCAGCAGTCACCTTCAACAC[A>C]AGAACAAAAAAATGTATAAACTGTAAGGTAAGCCAACACAGGCTAGCATCTTTACGGATA-3'

ClinVar aggregate classification (germline): Uncertain significance (1 of 4 stars; one submission).

Conditions:
Dihydropteridine reductase deficiency (HPABH4C). Also called: BH4-Deficient Hyperphenylalaninemia C; HYPERPHENYLALANINEMIA, TETRAHYDROBIOPTERIN-DEFICIENT, DUE TO DHPR DEFICIENCY; QDPR DEFICIENCY; QUINOID DIHYDROPTERIDINE REDUCTASE DEFICIENCY; Phenylketonuria II; Hyperphenylalaninemia due to dihydropteridine reductase deficiency. Identifiers: Orphanet 226, Orphanet 238583, MedGen C0268465, MONDO:0009862, OMIM 261630.

Allele frequency attached by ClinVar (database versions not stated): gnomAD 0.00001; gnomAD exomes 0.00003 and 0.00006; ExAC 0.00006.
gnomAD v4.1: 51 of 1,605,924 alleles (0.0032%); highest among the groups gnomAD compares: South Asian, 0.044%; no homozygotes.

Submission:

Labcorp Genetics (formerly Invitae), Labcorp
Classification: Uncertain significance for Dihydropteridine reductase deficiency. Last evaluated: 2022-09-28. Review status: criteria provided, single submitter. Criteria: Invitae Variant Classification Sherloc (09022015). Collection method: clinical testing. Allele origin: germline.
Comment: This sequence change falls in intron 2 of the QDPR gene. It does not directly change the encoded amino acid sequence of the QDPR protein. This variant is present in population databases (rs200393206, gnomAD 0.05%). This variant has not been reported in the literature in individuals affected with QDPR-related conditions. ClinVar contains an entry for this variant (Variation ID: 1506602). Algorithms developed to predict the effect of sequence changes on RNA splicing suggest that this variant may disrupt the consensus splice site. In summary, the available evidence is currently insufficient to determine the role of this variant in disease. Therefore, it has been classified as a Variant of Uncertain Significance.